The following is an entry in ClinVar:

NM_001142966.3(GREB1L):c.1663G>C (p.Val555Leu)

Genes: GREB1L (GREB1 like retinoic acid receptor coactivator; plus strand), GREB1L-AS1 (GREB1L antisense RNA 1; minus strand). Cytogenetic location: 18q11.1.
Variant type: single nucleotide variant.
Coding change: c.1663G>C on transcript NM_001142966.3 (MANE Select); coding-DNA position 1663, G replaced by C.
Protein change: p.Val555Leu; replaces valine 555 with leucine.
Molecular consequence: missense variant. On other transcripts: intron variant (1).
Genome position (GRCh38, 1-based): chr18:21,449,779, G>C. VCF-style: chr18-21449779-G-C. GRCh37 (hg19) VCF-style: chr18-19029740-G-C.
Other names: c.1792G>C, p.Val598Leu (NM_001410867.1); c.1394-1244G>C (NM_001410868.1); short protein forms V598L, V555L.
Identifiers: ClinVar variation 3684851 (VCV003684851.2).

ClinVar aggregate classification (germline): Uncertain significance (1 of 4 stars; one submission).

Submission:

Labcorp Genetics (formerly Invitae), Labcorp
Classification: Uncertain significance. Last evaluated: 2024-10-23. Review status: criteria provided, single submitter. Criteria: Invitae Variant Classification Sherloc (09022015). Collection method: clinical testing. Allele origin: germline.
Comment: This sequence change replaces valine, which is neutral and non-polar, with leucine, which is neutral and non-polar, at codon 555 of the GREB1L protein (p.Val555Leu). This variant is not present in population databases (gnomAD no frequency). This variant has not been reported in the literature in individuals affected with GREB1L-related conditions. An algorithm developed to predict the effect of missense changes on protein structure and function (PolyPhen-2) suggests that this variant is likely to be tolerated. In summary, the available evidence is currently insufficient to determine the role of this variant in disease. Therefore, it has been classified as a Variant of Uncertain Significance.